The following is an entry in ClinVar:

ClinVar aggregate classification (germline): Uncertain significance (1 of 4 stars; one submission).

Allele frequency attached by ClinVar (database versions not stated): gnomAD exomes below 0.00001 and 0.00001; TOPMed below 0.00001; gnomAD 0.00001.
gnomAD v4.1: 8 of 1,578,590 alleles (0.00051%); highest among the groups gnomAD compares: African/African-American, 0.0027%; no homozygotes.

Submission:

Labcorp Genetics (formerly Invitae), Labcorp
Classification: Uncertain significance. Last evaluated: 2023-11-13. Review status: criteria provided, single submitter. Criteria: Invitae Variant Classification Sherloc (09022015). Collection method: clinical testing. Allele origin: germline.
Comment: This sequence change replaces proline, which is neutral and non-polar, with leucine, which is neutral and non-polar, at codon 1541 of the MYO7A protein (p.Pro1541Leu). The frequency data for this variant in the population databases is considered unreliable, as metrics indicate poor data quality at this position in the gnomAD database. This variant has not been reported in the literature in individuals affected with MYO7A-related conditions. ClinVar contains an entry for this variant (Variation ID: 1436334). Advanced modeling of protein sequence and biophysical properties (such as structural, functional, and spatial information, amino acid conservation, physicochemical variation, residue mobility, and thermodynamic stability) performed at Invitae indicates that this missense variant is not expected to disrupt MYO7A protein function with a negative predictive value of 95%. In summary, the available evidence is currently insufficient to determine the role of this variant in disease. Therefore, it has been classified as a Variant of Uncertain Significance.

NM_000260.4(MYO7A):c.4622C>T (p.Pro1541Leu)

Gene: MYO7A (myosin VIIA; plus strand). Cytogenetic location: 11q13.5.
Variant type: single nucleotide variant.
Coding change: c.4622C>T on transcript NM_000260.4 (MANE Select); coding-DNA position 4622, C replaced by T.
Protein change: p.Pro1541Leu; replaces proline 1541 with leucine.
Molecular consequence: missense variant. On other transcripts: intron variant (2).
Genome position (GRCh38, 1-based): chr11:77,199,588, C>T. VCF-style: chr11-77199588-C-T. GRCh37 (hg19) VCF-style: chr11-76910633-C-T.
Other names: c.4536-61C>T (NM_001369365.1); c.4569-61C>T (NM_001127180.2); short protein forms P1541L.
Identifiers: ClinVar variation 1436334 (VCV001436334.6), dbSNP rs1323610651, ClinGen allele CA381950599.